The following is an entry in ClinVar:

ClinVar aggregate classification (germline): Uncertain significance (1 of 4 stars; one submission).

Conditions:
Early Myoclonic Encephalopathy. Identifiers: MedGen C0270855.

gnomAD v4.1: 2 of 1,613,922 alleles (0.00012%); highest among the groups gnomAD compares: Admixed American, 0.0033%; no homozygotes.

Submission:

Labcorp Genetics (formerly Invitae), Labcorp
Classification: Uncertain significance for Early Myoclonic Encephalopathy. Last evaluated: 2024-06-10. Review status: criteria provided, single submitter. Criteria: Invitae Variant Classification Sherloc (09022015). Collection method: clinical testing. Allele origin: germline.
Comment: This sequence change replaces serine, which is neutral and polar, with glycine, which is neutral and non-polar, at codon 921 of the JMJD1C protein (p.Ser921Gly). This variant is present in population databases (no rsID available, gnomAD 0.006%). This variant has not been reported in the literature in individuals affected with JMJD1C-related conditions. Advanced modeling of protein sequence and biophysical properties (such as structural, functional, and spatial information, amino acid conservation, physicochemical variation, residue mobility, and thermodynamic stability) performed at Invitae indicates that this missense variant is not expected to disrupt JMJD1C protein function with a negative predictive value of 80%. In summary, the available evidence is currently insufficient to determine the role of this variant in disease. Therefore, it has been classified as a Variant of Uncertain Significance.

NM_032776.3(JMJD1C):c.2761A>G (p.Ser921Gly)

Gene: JMJD1C (jumonji domain containing 1C; minus strand). Cytogenetic location: 10q21.3.
Variant type: single nucleotide variant.
Coding change: c.2761A>G on transcript NM_032776.3 (MANE Select); coding-DNA position 2761, A replaced by G.
Protein change: p.Ser921Gly; replaces serine 921 with glycine.
Molecular consequence: missense variant. On other transcripts: non-coding transcript variant (1).
Genome position (GRCh38, 1-based): chr10:63,209,169, T>C on the plus strand (A>G on the coding strand, the complement: JMJD1C is on the minus strand). VCF-style: chr10-63209169-T-C. GRCh37 (hg19) VCF-style: chr10-64968929-T-C.
Other names: c.2215A>G, p.Ser739Gly (NM_001282948.2, NM_001318154.2); c.1897A>G, p.Ser633Gly (NM_001318153.2); c.2647A>G, p.Ser883Gly (NM_001322252.2); c.2104A>G, p.Ser702Gly (NM_001322254.2, NM_001322258.2); short protein forms S702G, S739G, S883G, S633G, S921G.
Identifiers: ClinVar variation 3685104 (VCV003685104.2).